The following is an entry in ClinVar:

ClinVar aggregate classification (germline): Uncertain significance (1 of 4 stars; one submission).

Allele frequency attached by ClinVar (database versions not stated): gnomAD 0.00001; gnomAD exomes 0.00001; TOPMed 0.00001.
gnomAD v4.1: 17 of 1,613,798 alleles (0.0011%); highest among the groups gnomAD compares: Non-Finnish European, 0.0014%; no homozygotes.

Submission:

GeneDx
Classification: Uncertain significance. Last evaluated: 2023-03-30. Review status: criteria provided, single submitter. Criteria: GeneDx Variant Classification Process June 2021. Collection method: clinical testing. Allele origin: germline. Affected: yes.
Comment: Not observed at significant frequency in large population cohorts (gnomAD); In silico analysis supports that this missense variant does not alter protein structure/function; Has not been previously published as pathogenic or benign to our knowledge

NM_000441.2(SLC26A4):c.1072G>A (p.Val358Met)

Gene: SLC26A4 (solute carrier family 26 member 4; plus strand). Cytogenetic location: 7q22.3.
Variant type: single nucleotide variant.
Coding change: c.1072G>A on transcript NM_000441.2 (MANE Select); coding-DNA position 1072, G replaced by A.
Protein change: p.Val358Met; replaces valine 358 with methionine.
Molecular consequence: missense variant.
Genome position (GRCh38, 1-based): chr7:107,689,123, G>A. VCF-style: chr7-107689123-G-A. GRCh37 (hg19) VCF-style: chr7-107329568-G-A.
Other names: short protein forms V358M.
Identifiers: ClinVar variation 2582200 (VCV002582200.1), dbSNP rs1218801311, ClinGen allele CA368838626.